The following is an entry in ClinVar:

NM_001114753.3(ENG):c.391C>G (p.Pro131Ala)

Gene: ENG (endoglin; minus strand). Cytogenetic location: 9q34.11.
Variant type: single nucleotide variant.
Coding change: c.391C>G on transcript NM_001114753.3 (MANE Select); coding-DNA position 391, C replaced by G.
Protein change: p.Pro131Ala; replaces proline 131 with alanine.
Molecular consequence: missense variant. On other transcripts: 5 prime UTR variant (1).
Genome position (GRCh38, 1-based): chr9:127,826,642, G>C on the plus strand (C>G on the coding strand, the complement: ENG is on the minus strand). VCF-style: chr9-127826642-G-C. GRCh37 (hg19) VCF-style: chr9-130588921-G-C.
Other names: c.-156C>G (NM_001278138.2); c.391C>G, p.Pro131Ala (NM_001406715.1, NM_000118.4); short protein forms P131A.
Identifiers: ClinVar variation 4843462 (VCV004843462.1).

ClinVar aggregate classification (germline): Uncertain significance (1 of 4 stars; one submission).

Conditions:
Cardiovascular phenotype. Identifiers: MedGen CN230736.

Submission:

Ambry Genetics
Classification: Uncertain significance for Cardiovascular phenotype. Last evaluated: 2026-01-06. Review status: criteria provided, single submitter. Criteria: Ambry Variant Classification Scheme 2023. Collection method: clinical testing. Allele origin: germline.
Comment: The p.P131A variant (also known as c.391C>G), located in coding exon 4 of the ENG gene, results from a C to G substitution at nucleotide position 391. The proline at codon 131 is replaced by alanine, an amino acid with highly similar properties. This amino acid position is conserved. In addition, this alteration is predicted to be tolerated by in silico analysis. Based on the available evidence, the clinical significance of this variant remains unclear.